The following is an entry in ClinVar:

NM_004004.6(GJB2):c.132G>A (p.Trp44Ter)

Gene: GJB2 (gap junction protein beta 2; minus strand). Cytogenetic location: 13q12.11.
Variant type: single nucleotide variant.
Coding change: c.132G>A on transcript NM_004004.6 (MANE Select); coding-DNA position 132, G replaced by A.
Protein change: p.Trp44Ter; replaces tryptophan 44 with a stop codon.
Molecular consequence: nonsense.
Genome position (GRCh38, 1-based): chr13:20,189,450, C>T on the plus strand (G>A on the coding strand, the complement: GJB2 is on the minus strand). VCF-style: chr13-20189450-C-T. GRCh37 (hg19) VCF-style: chr13-20763589-C-T.
Other names: short protein forms W44*.
Identifiers: ClinVar variation 158605 (VCV000158605.49), dbSNP rs104894407, ClinGen allele CA172211.

ClinVar aggregate classification (germline): Pathogenic. Review status: criteria provided, multiple submitters, no conflicts (2 of 4 stars). 11 submissions from 11 submitters: Pathogenic (10). 1 of the submissions does not count toward it. Last evaluated 2026-09-18.

Conditions:
GJB2-related disorder. Also called: GJB2-related condition; GJB2-related disorders. Identifiers: MedGen CN382183, MONDO:1060236.
Autosomal recessive nonsyndromic hearing loss 1A (DFNB1A). Also called: Nonsyndromic Hearing Loss and Deafness, DFNB1; GJB6-Related DFNB 1 Nonsyndromic Hearing Loss and Deafness; Deafness, autosomal recessive 1A; Connexin 26 deafness; Deafness nonsyndromic, Connexin 26 linked; GJB2-Related Autosomal Recessive Nonsyndromic Hearing Loss. Identifiers: Orphanet 90636, MedGen C2673759, MONDO:0009076, OMIM 220290.
Hearing impairment. Also called: Impaired Hearing. Identifiers: MedGen C1384666, MONDO:0005365, HP:0000365.

Allele frequency attached by ClinVar (database versions not stated): gnomAD exomes 0.00002 and 0.00003; ExAC 0.00006; TOPMed 0.00007; gnomAD 0.00008; 1000 Genomes Project 30x 0.00016; 1000 Genomes Project 0.00020.
gnomAD v4.1: 44 of 1,613,176 alleles (0.0027%); highest among the groups gnomAD compares: African/African-American, 0.02%; no homozygotes.

Submissions (11):

PreventionGenetics, part of Exact Sciences
Classification: Pathogenic for GJB2-related condition. Last evaluated: 2026-09-18. Review status: criteria provided, single submitter. Criteria: ACMG Guidelines, 2015. Collection method: clinical testing. Allele origin: germline.
Comment: The GJB2 c.132G>A variant is predicted to result in premature protein termination (p.Trp44*). This variant has been reported multiple times in patients with autosomal recessive deafness (Green et al. 1999. PubMed ID: 10376574; Roux et al. 2004. PubMed ID: 15070423; Martínez-Saucedo et al. 2015. PubMed ID: 26553399). Nonsense variants in GJB2 are expected to be pathogenic. This variant is interpreted as pathogenic.

Natera, Inc.
Classification: Pathogenic for Autosomal recessive deafness type 1A. Last evaluated: 2025-09-30. Review status: criteria provided, single submitter. Criteria: Natera Variant Classification Schema (03/2026). Collection method: clinical testing. Allele origin: germline.
Comment: The c.132G>A variant in GJB2 is a nonsense variant predicted to introduce a stop codon at amino acid 44. This variant is expected to result in nonsense mediated decay, truncation, or a dysfunctional protein product. This variant is rare in the general population with a frequency below the threshold expected for the associated phenotype(s). This variant has been observed in one or more individuals affected with the associated recessive disease, as either homozygous or compound heterozygous with a second variant (PMID: 39092543). Additionally, this variant has been observed to segregate in affected family members (PMID: 39092543). Given the available evidence, this variant is classified as Pathogenic.

Labcorp Genetics (formerly Invitae), Labcorp
Classification: Pathogenic. Last evaluated: 2025-09-10. Review status: criteria provided, single submitter. Criteria: Invitae Variant Classification Sherloc (09022015). Collection method: clinical testing. Allele origin: germline.
Comment: This sequence change creates a premature translational stop signal (p.Trp44*) in the GJB2 gene. While this is not anticipated to result in nonsense mediated decay, it is expected to disrupt the last 183 amino acid(s) of the GJB2 protein. This variant is present in population databases (rs104894407, gnomAD 0.02%). This premature translational stop signal has been observed in individual(s) with non-syndromic deafness (PMID: 10376574, 15070423, 26346709, 26553399). It has also been observed to segregate with disease in related individuals. ClinVar contains an entry for this variant (Variation ID: 158605). This variant disrupts a region of the GJB2 protein in which other variant(s) (p.Leu56Argfs*26) have been determined to be pathogenic (PMID: 15967879, 16380907, 21465647, 22695344, 24158611). This suggests that this is a clinically significant region of the protein, and that variants that disrupt it are likely to be disease-causing. For these reasons, this variant has been classified as Pathogenic.

Blueprint Genetics
Classification: Pathogenic for GJB2-related disorders. Last evaluated: 2023-06-16. Review status: criteria provided, single submitter. Criteria: ACMG Guidelines, 2015. Collection method: clinical testing. Allele origin: germline. Affected: yes. Observed: 5 variant alleles.

Women's Health and Genetics/Laboratory Corporation of America, LabCorp
Classification: Pathogenic for Autosomal recessive nonsyndromic hearing loss 1A. Last evaluated: 2021-12-24. Review status: criteria provided, single submitter. Criteria: LabCorp Variant Classification Summary - May 2015. Collection method: clinical testing. Allele origin: germline.
Comment: Variant summary: GJB2 c.132G>A (p.Trp44X) results in a premature termination codon, predicted to cause a truncation of the encoded protein or absence of the protein due to nonsense mediated decay, which are commonly known mechanisms for disease. Truncations downstream of this position have been classified as pathogenic by our laboratory. The variant allele was found at a frequency of 3.5e-05 in 258564 control chromosomes. c.132G>A has been reported in the literature in multiple individuals affected with Autosomal Recessive Non-Syndromic Hearing Loss (example, Green_1999, Prasad_2000, Snoeckx_2005, Roux_2004, Tang_2006, Putcha_2007, Lin_2011). These data indicate that the variant is very likely to be associated with disease. To our knowledge, no experimental evidence demonstrating an impact on protein function has been reported. Six clinical diagnostic laboratories have submitted clinical-significance assessments for this variant to ClinVar after 2014 without evidence for independent evaluation. All laboratories classified the variant as pathogenic. Based on the evidence outlined above, the variant was classified as pathogenic.

GeneDx
Classification: Pathogenic. Last evaluated: 2021-11-05. Review status: criteria provided, single submitter. Criteria: GeneDx Variant Classification Process June 2021. Collection method: clinical testing. Allele origin: germline. Affected: yes.
Comment: Observed with a pathogenic variant in additional unrelated patients in published literature, but it is not known whether the variants occurred on the same (in cis) or on different (in trans) chromosomes (Green et al., 1999; Roux et al., 2004; Angeli et al., 2008); Nonsense variant in the C-terminus predicted to result in protein truncation, as the last 183 amino acids are lost, and other loss-of-function variants have been reported downstream in the Human Gene Mutation Database (Stenson et al., 2014); This variant is associated with the following publications: (PMID: 17666888, 26553399, 18758381, 10376574, 31589614, 15070423, 26346709, 17041943, 34440441)

ARUP Laboratories, Molecular Genetics and Genomics, ARUP Laboratories
Classification: Pathogenic. Last evaluated: 2017-05-09. Review status: criteria provided, single submitter. Criteria: ARUP Molecular Germline Variant Investigation Process. Collection method: clinical testing. Allele origin: germline.
Comment: The GJB2 c.132G>A; p.Trp44Ter variant (rs104894407) has been reported in the literature in individuals with hearing loss who carried a pathogenic variant on the opposite chromosome (Green 1999, Martinez-Saucedo 2015, Roux 2004). It is reported in ClinVar (Variation ID: 158605), and observed in the general population databases at a frequency of 0.003 percent (8/276604 alleles; Genome Aggregation Database). This variant induces an early termination codon and is predicted to result in a truncated protein or absent transcript, and is considered pathogenic. REFERENCES Link to ClinVar database for p.Trp44Ter: Green GE et al. Carrier rates in the midwestern United States for GJB2 mutations causing inherited deafness. JAMA. 1999 Jun 16;281(23):2211-6. Martinez-Saucedo M et al. Two novel compound heterozygous families with a trimutation in the GJB2 gene causing sensorineural hearing loss. Int J Pediatr Otorhinolaryngol. 2015 Dec;79(12):2295-9. Roux AF et al. Molecular epidemiology of DFNB1 deafness in France. BMC Med Genet. 2004 Mar 6;5:5.

Eurofins Ntd Llc (ga)
Classification: Pathogenic. Last evaluated: 2016-12-16. Review status: criteria provided, single submitter. Criteria: EGL Classification Definitions 2015. Collection method: clinical testing. Allele origin: germline.

Genetic Services Laboratory, University of Chicago
Classification: Pathogenic for Hearing impairment. Last evaluated: 2013-02-08. Review status: criteria provided, single submitter. Criteria: ACMG Guidelines, 2007. Collection method: clinical testing. Allele origin: germline. Inheritance: Autosomal recessive inheritance. Affected: yes.

Genomics and Human Genetics Laboratory, Pasteur Institut of Morocco
Classification: Pathogenic for Autosomal recessive nonsyndromic hearing loss 1A. Review status: criteria provided, single submitter. Criteria: ACMG Guidelines, 2015. Collection method: clinical testing. Allele origin: inherited. Inheritance: Autosomal recessive inheritance. Affected: yes. Observed: 2 variant alleles, 2 compound heterozygotes.

Counsyl
Classification: Likely pathogenic for Autosomal recessive nonsyndromic hearing loss 1A. Last evaluated: 2015-03-06. Review status: no assertion criteria provided. Collection method: clinical testing. Allele origin: unknown. Not counted in ClinVar's aggregate classification.

Literature cited by the submitters: PubMed 39092543 (cited by Natera, Inc.); PubMed 10376574 (cited by 3 submitters); PubMed 15070423 (cited by 3 submitters); PubMed 26346709 (cited by Labcorp Genetics (formerly Invitae), Labcorp); PubMed 26553399 (cited by Labcorp Genetics (formerly Invitae), Labcorp); PubMed 15967879 (cited by Labcorp Genetics (formerly Invitae), Labcorp); PubMed 16380907 (cited by Labcorp Genetics (formerly Invitae), Labcorp and Women's Health and Genetics/Laboratory Corporation of America, LabCorp); PubMed 21465647 (cited by Labcorp Genetics (formerly Invitae), Labcorp); PubMed 22695344 (cited by Labcorp Genetics (formerly Invitae), Labcorp); PubMed 24158611 (cited by Labcorp Genetics (formerly Invitae), Labcorp); PubMed 17041943 (cited by Women's Health and Genetics/Laboratory Corporation of America, LabCorp); PubMed 17666888 (cited by Women's Health and Genetics/Laboratory Corporation of America, LabCorp); PubMed 11102979 (cited by Women's Health and Genetics/Laboratory Corporation of America, LabCorp); PubMed 16950989 (cited by Women's Health and Genetics/Laboratory Corporation of America, LabCorp); PubMed 21131880 (cited by Women's Health and Genetics/Laboratory Corporation of America, LabCorp); PubMed 18758381 (cited by Counsyl).